The following is an entry in ClinVar:

NM_000059.4(BRCA2):c.7007+688G>A

Gene: BRCA2 (BRCA2 DNA repair associated; plus strand). Cytogenetic location: 13q13.1.
Variant type: single nucleotide variant.
Coding change: c.7007+688G>A on transcript NM_000059.4 (MANE Select); 688 bases into the intron after coding-DNA position 7007, G replaced by A.
Molecular consequence: intron variant.
Genome position (GRCh38, 1-based): chr13:32,347,584, G>A. VCF-style: chr13-32347584-G-A. GRCh37 (hg19) VCF-style: chr13-32921721-G-A.
Other names: IVS 13+688G>A.
Identifiers: ClinVar variation 209721 (VCV000209721.1), dbSNP rs11571685, ClinGen allele CA276689.

ClinVar aggregate classification (germline): Benign (3 of 4 stars; one submission).

Conditions:
Breast-ovarian cancer, familial, susceptibility to, 2 (BROVCA2). Also called: BRCA2 Hereditary Breast and Ovarian Cancer. Identifiers: Orphanet 145, MedGen C2675520, MONDO:0012933, OMIM 612555. Disease mechanism: loss of function.

Allele frequency attached by ClinVar (database versions not stated): 1000 Genomes Project 30x 0.00609; 1000 Genomes Project 0.00699; TOPMed 0.01183; gnomAD 0.01238 and 0.01255.
gnomAD v4.1: 1,869 of 152,314 alleles (1.2%); highest among the groups gnomAD compares: Non-Finnish European, 2.1%; 17 homozygotes.

Submission:

Evidence-based Network for the Interpretation of Germline Mutant Alleles (ENIGMA)
Classification: Benign for Breast-ovarian cancer, familial 2. Last evaluated: 2015-01-12. Review status: reviewed by expert panel. Criteria: ENIGMA BRCA1/2 Classification Criteria (2015). Collection method: curation. Allele origin: germline.
Comment: Class 1 not pathogenic based on frequency >1% in an outbred sampleset. Frequency 0.02902 (European), derived from 1000 genomes (2012-04-30).